The following is an entry in ClinVar:

ClinVar aggregate classification (germline): Conflicting classifications of pathogenicity. Review status: criteria provided, conflicting classifications (1 of 4 stars). 5 submissions from 5 submitters: Uncertain significance (4); Likely benign (1). Last evaluated 2026-03-28.

Conditions:
Inborn genetic diseases. Identifiers: MedGen C0950123, MeSH D030342.
Bethlem myopathy 1A. Also called: Bethlem Muscular Dystrophy; Bethlem myopathy 1; MYOPATHY, BENIGN CONGENITAL, WITH CONTRACTURES. Identifiers: Orphanet 610, MedGen CN029274, MONDO:0024530, OMIM 158810.
COL6A3-related disorder. Also called: COL6A3-related disorders; COL6A3-related condition.

Allele frequency attached by ClinVar (database versions not stated): TOPMed 0.00002; gnomAD 0.00003; ExAC 0.00005; ESP Exome Variant Server 0.00008; gnomAD exomes 0.00010 and 0.00002.
gnomAD v4.1: 150 of 1,614,104 alleles (0.0093%); highest among the groups gnomAD compares: Non-Finnish European, 0.012%; no homozygotes.

Submissions (5):

PreventionGenetics, part of Exact Sciences
Classification: Uncertain significance for COL6A3-related condition. Last evaluated: 2026-03-28. Review status: criteria provided, single submitter. Criteria: ACMG Guidelines, 2015. Collection method: clinical testing. Allele origin: germline.
Comment: The COL6A3 c.2068G>A variant is predicted to result in the amino acid substitution p.Glu690Lys. To our knowledge, this variant has not been reported in the literature. This variant is reported in 0.0054% of alleles in individuals of European (Non-Finnish) descent in gnomAD. At this time, the clinical significance of this variant is uncertain due to the absence of conclusive functional and genetic evidence.

Ambry Genetics
Classification: Uncertain significance for Inborn genetic diseases. Last evaluated: 2025-12-08. Review status: criteria provided, single submitter. Criteria: Ambry Variant Classification Scheme 2023. Collection method: clinical testing. Allele origin: germline.

Labcorp Genetics (formerly Invitae), Labcorp
Classification: Likely benign for Bethlem myopathy 1A. Last evaluated: 2024-06-30. Review status: criteria provided, single submitter. Criteria: Invitae Variant Classification Sherloc (09022015). Collection method: clinical testing. Allele origin: germline.

Revvity Omics, Revvity
Classification: Uncertain significance. Last evaluated: 2019-07-03. Review status: criteria provided, single submitter. Criteria: ACMG Guidelines, 2015. Collection method: clinical testing. Allele origin: germline.

Eurofins Ntd Llc (ga)
Classification: Uncertain significance. Last evaluated: 2018-03-16. Review status: criteria provided, single submitter. Criteria: EGL ClinVar v180209 classification definitions. Collection method: clinical testing. Allele origin: germline. Observed: 1 variant allele, 1 heterozygote.

NM_004369.4(COL6A3):c.2068G>A (p.Glu690Lys)

Gene: COL6A3 (collagen type VI alpha 3 chain; minus strand). Cytogenetic location: 2q37.3.
Variant type: single nucleotide variant.
Coding change: c.2068G>A on transcript NM_004369.4 (MANE Select); coding-DNA position 2068, G replaced by A.
Protein change: p.Glu690Lys; replaces glutamic acid 690 with lysine.
Molecular consequence: missense variant. On other transcripts: intron variant (1).
Genome position (GRCh38, 1-based): chr2:237,379,065, C>T on the plus strand (G>A on the coding strand, the complement: COL6A3 is on the minus strand). VCF-style: chr2-237379065-C-T. GRCh37 (hg19) VCF-style: chr2-238287708-C-T.
Other names: c.847G>A, p.Glu283Lys (NM_057164.5); c.1450G>A, p.Glu484Lys (NM_057165.5, NM_057167.4); c.677-1721G>A (NM_057166.5); c.2068G>A (NM_004369.3); short protein forms E690K, E283K, E484K.
Identifiers: ClinVar variation 596460 (VCV000596460.15), dbSNP rs368161217, ClinGen allele CA2189485.